The following is an entry in ClinVar:

ClinVar aggregate classification (germline): Pathogenic (1 of 4 stars; one submission).

Submission:

GeneDx
Classification: Pathogenic. Last evaluated: 2023-02-07. Review status: criteria provided, single submitter. Criteria: GeneDx Variant Classification Process June 2021. Collection method: clinical testing. Allele origin: germline. Affected: yes.
Comment: Reported in association with Baraitser-Winter Cerebrofrontofacial (BWCFF) syndrome (Yates et al., 2017); In silico analysis supports that this missense variant does not alter protein structure/function; The majority of missense variants in this gene are considered pathogenic (HGMD); Not observed at significant frequency in large population cohorts (gnomAD); This variant is associated with the following publications: (PMID: 27625340)

NM_001101.5(ACTB):c.127G>A (p.Val43Met)

Gene: ACTB (actin beta; minus strand). Cytogenetic location: 7p22.1.
Variant type: single nucleotide variant.
Coding change: c.127G>A on transcript NM_001101.5 (MANE Select); coding-DNA position 127, G replaced by A.
Protein change: p.Val43Met; replaces valine 43 with methionine.
Molecular consequence: missense variant.
Genome position (GRCh38, 1-based): chr7:5,529,397, C>T on the plus strand (G>A on the coding strand, the complement: ACTB is on the minus strand). VCF-style: chr7-5529397-C-T. GRCh37 (hg19) VCF-style: chr7-5569028-C-T.
Other names: c.127G>A (LRG_132t1); short protein forms V43M.
Identifiers: ClinVar variation 279939 (VCV000279939.3), dbSNP rs886041267, ClinGen allele CA10603067.
Genomic context (GRCh38, chr7:5,529,397, plus strand): 5'-CTCTCTTGCTCTGGGCCTCGTCGCCCACATAGGAATCCTTCTGACCCATGCCCACCATCA[C>T]GCCCTGGGAAGGAAAGGACAAGAAGCCCTGAGCACGGGCGCAGCCCCCACCCCGGAAACC-3'
Protein context (NP_001092.1, residues 33-53): SIVGRPRHQG[Val43Met]MVGMGQKDSY